The following is an entry in ClinVar:

ClinVar aggregate classification (germline): Benign/Likely benign. Review status: criteria provided, multiple submitters, no conflicts (2 of 4 stars). 3 submissions from 3 submitters: Benign (1); Likely benign (1). 1 of the submissions does not count toward it. Last evaluated 2025-11-05.

Conditions:
ADGRA3-related disorder. Also called: ADGRA3-related condition.

Allele frequency attached by ClinVar (database versions not stated): gnomAD 0.00003 and 0.00028; TOPMed 0.00010; gnomAD exomes 0.00051 and 0.00103; ExAC 0.00124; 1000 Genomes Project 30x 0.00172; 1000 Genomes Project 0.00200.
gnomAD v4.1: 788 of 1,613,852 alleles (0.049%); highest among the groups gnomAD compares: South Asian, 0.81%; 11 homozygotes.

Submissions (3):

Labcorp Genetics (formerly Invitae), Labcorp
Classification: Benign. Last evaluated: 2025-11-05. Review status: criteria provided, single submitter. Criteria: Invitae Variant Classification Sherloc (09022015). Collection method: clinical testing. Allele origin: germline.

CeGaT Center for Human Genetics Tuebingen
Classification: Likely benign. Last evaluated: 2025-05-01. Review status: criteria provided, single submitter. Criteria: CeGaT Center For Human Genetics Tuebingen Variant Classification Criteria Version 2. Collection method: clinical testing. Allele origin: germline. Affected: yes. Observed: 1 variant allele.
Comment: ADGRA3: BP4, BS2

PreventionGenetics, part of Exact Sciences
Classification: Benign for ADGRA3-related condition. Last evaluated: 2019-05-14. Review status: no assertion criteria provided. Collection method: clinical testing. Allele origin: germline. Not counted in ClinVar's aggregate classification.
Comment: This variant is classified as benign based on ACMG/AMP sequence variant interpretation guidelines (Richards et al. 2015 PMID: 25741868, with internal and published modifications).

NM_145290.4(ADGRA3):c.2302A>G (p.Ile768Val)

Gene: ADGRA3 (adhesion G protein-coupled receptor A3; minus strand). Cytogenetic location: 4p15.2.
Variant type: single nucleotide variant.
Coding change: c.2302A>G on transcript NM_145290.4 (MANE Select); coding-DNA position 2302, A replaced by G.
Protein change: p.Ile768Val; replaces isoleucine 768 with valine.
Molecular consequence: missense variant.
Genome position (GRCh38, 1-based): chr4:22,402,730, T>C on the plus strand (A>G on the coding strand, the complement: ADGRA3 is on the minus strand). VCF-style: chr4-22402730-T-C. GRCh37 (hg19) VCF-style: chr4-22404353-T-C.
Other names: short protein forms I768V.
Identifiers: ClinVar variation 799367 (VCV000799367.23), dbSNP rs200151762, ClinGen allele CA2873678.